The following is an entry in ClinVar:

ClinVar aggregate classification (germline): Uncertain significance. Review status: criteria provided, multiple submitters, no conflicts (2 of 4 stars). 3 submissions from 3 submitters: Uncertain significance (3). Last evaluated 2025-10-27.

Conditions:
Glanzmann thrombasthenia. Also called: Thrombasthenia; BLEEDING DISORDER, PLATELET-TYPE, 2; THROMBASTHENIA OF GLANZMANN AND NAEGELI; PLATELET GLYCOPROTEIN IIb-IIIa DEFICIENCY; Glanzmann's thrombasthenia. Identifiers: Orphanet 849, MedGen C0040015, MONDO:0100326.

Allele frequency attached by ClinVar (database versions not stated): ExAC 0.00005; gnomAD 0.00012; ESP Exome Variant Server 0.00015; 1000 Genomes Project 30x 0.00016; 1000 Genomes Project 0.00020; gnomAD exomes 0.00026.
gnomAD v4.1: 391 of 1,613,574 alleles (0.024%); highest among the groups gnomAD compares: Non-Finnish European, 0.031%; 1 homozygote.

Submissions (3):

Mayo Clinic Laboratories, Mayo Clinic
Classification: Uncertain significance. Last evaluated: 2025-10-27. Review status: criteria provided, single submitter. Criteria: ACMG Guidelines, 2015. Collection method: clinical testing. Allele origin: germline. Observed: 1 variant allele.
Comment: BP4

Labcorp Genetics (formerly Invitae), Labcorp
Classification: Uncertain significance for Glanzmann thrombasthenia. Last evaluated: 2025-09-28. Review status: criteria provided, single submitter. Criteria: Invitae Variant Classification Sherloc (09022015). Collection method: clinical testing. Allele origin: germline.
Comment: This sequence change replaces alanine, which is neutral and non-polar, with threonine, which is neutral and polar, at codon 668 of the ITGA2B protein (p.Ala668Thr). This variant is present in population databases (rs149991452, gnomAD 0.02%). This variant has not been reported in the literature in individuals affected with ITGA2B-related conditions. ClinVar contains an entry for this variant (Variation ID: 2046855). An algorithm developed to predict the effect of missense changes on protein structure and function outputs the following: PolyPhen-2: "Benign". The threonine amino acid residue is found in multiple mammalian species, which suggests that this missense change does not adversely affect protein function. In summary, the available evidence is currently insufficient to determine the role of this variant in disease. Therefore, it has been classified as a Variant of Uncertain Significance.

Women's Health and Genetics/Laboratory Corporation of America, LabCorp
Classification: Uncertain significance. Last evaluated: 2025-01-20. Review status: criteria provided, single submitter. Criteria: LabCorp Variant Classification Summary - May 2015. Collection method: clinical testing. Allele origin: germline.
Comment: Variant summary: ITGA2B c.2002G>A (p.Ala668Thr) results in a non-conservative amino acid change located in the integrin alpha, second immunoglobulin-like domain (IPR048285) of the encoded protein sequence. Four of five in-silico tools predict a damaging effect of the variant on protein function. The variant allele was found at a frequency of 0.00014 in 248314 control chromosomes. This frequency is not significantly higher than estimated for a pathogenic variant in ITGA2B causing ITGA2B-Related Disorders, allowing no conclusion about variant significance. To our knowledge, no occurrence of c.2002G>A in individuals affected with ITGA2B-Related Disorders and no experimental evidence demonstrating its impact on protein function have been reported. ClinVar contains an entry for this variant (Variation ID: 2046855). Based on the evidence outlined above, the variant was classified as uncertain significance.

NM_000419.5(ITGA2B):c.2002G>A (p.Ala668Thr)

Gene: ITGA2B (integrin subunit alpha 2b; minus strand). Cytogenetic location: 17q21.31.
Variant type: single nucleotide variant.
Coding change: c.2002G>A on transcript NM_000419.5 (MANE Select); coding-DNA position 2002, G replaced by A.
Protein change: p.Ala668Thr; replaces alanine 668 with threonine.
Molecular consequence: missense variant.
Genome position (GRCh38, 1-based): chr17:44,378,454, C>T on the plus strand (G>A on the coding strand, the complement: ITGA2B is on the minus strand). VCF-style: chr17-44378454-C-T. GRCh37 (hg19) VCF-style: chr17-42455822-C-T.
Other names: p.Ala668Thr; short protein forms A668T.
Identifiers: ClinVar variation 2046855 (VCV002046855.7), dbSNP rs149991452, ClinGen allele CA8602870.